The following is an entry in ClinVar:

ClinVar aggregate classification (germline): Likely benign (0 of 4 stars; one submission).

Conditions:
GPD2-related disorder. Also called: GPD2-related condition.

Allele frequency attached by ClinVar (database versions not stated): 1000 Genomes Project 30x 0.00094; 1000 Genomes Project 0.00100; TOPMed 0.00178; ESP Exome Variant Server 0.00223.
gnomAD v4.1: 475 of 1,612,586 alleles (0.029%); highest among the groups gnomAD compares: African/African-American, 0.57%; 1 homozygote.

Submissions (3):

PreventionGenetics, part of Exact Sciences
Classification: Likely benign for GPD2-related condition. Last evaluated: 2019-05-01. Review status: no assertion criteria provided. Collection method: clinical testing. Allele origin: germline.
Comment: This variant is classified as likely benign based on ACMG/AMP sequence variant interpretation guidelines (Richards et al. 2015 PMID: 25741868, with internal and published modifications).

Dr. Peter K. Rogan Lab, Western University
No classification provided (evidence only). Condition: Uterine corpus endometrial carcinoma. Review status: no classification provided. Collection method: in vitro. Allele origin: not applicable. Functional consequence: retained intron. Not counted in ClinVar's aggregate classification.

Dr. Peter K. Rogan Lab, Western University
No classification provided (evidence only). Condition: Nonpapillary renal cell carcinoma. Review status: no classification provided. Collection method: in vitro. Allele origin: not applicable. Functional consequence: retained intron. Not counted in ClinVar's aggregate classification.

NM_000408.5(GPD2):c.1726C>G (p.Leu576Val)

Gene: GPD2 (glycerol-3-phosphate dehydrogenase 2; plus strand). Cytogenetic location: 2q24.1.
Variant type: single nucleotide variant.
Coding change: c.1726C>G on transcript NM_000408.5 (MANE Select); coding-DNA position 1726, C replaced by G.
Protein change: p.Leu576Val; replaces leucine 576 with valine.
Molecular consequence: missense variant.
Genome position (GRCh38, 1-based): chr2:156,571,251, C>G. VCF-style: chr2-156571251-C-G. GRCh37 (hg19) VCF-style: chr2-157427763-C-G.
Other names: NC_000002.11:g.157427763C>G; c.1726C>G, p.Leu576Val (NM_001083112.3); short protein forms L576V.
Identifiers: ClinVar variation 3037525 (VCV003037525.3), dbSNP rs116790305, ClinGen allele CA1917067.
Genomic context (GRCh38, chr2:156,571,251, plus strand): 5'-ACTCGCCTGGCCTTTCTAAATGTCCAGGCAGCAGAGGAAGCCCTACCCAGGATTGTTGAA[C>G]TGATGGGCAGGGAACTGAATTGGGATGATTATAAGAAGCAGGTATTATATAGAAGTCTTT-3'
Protein context (NP_000399.3, residues 566-586): AEEALPRIVE[Leu576Val]MGRELNWDDY